The following is an entry in ClinVar:

ClinVar aggregate classification (germline): Uncertain significance (1 of 4 stars; one submission).

Allele frequency attached by ClinVar (database versions not stated): ExAC 0.00001; gnomAD exomes 0.00001; TOPMed 0.00001; gnomAD 0.00002.

Submission:

Labcorp Genetics (formerly Invitae), Labcorp
Classification: Uncertain significance. Last evaluated: 2021-05-04. Review status: criteria provided, single submitter. Criteria: Invitae Variant Classification Sherloc (09022015). Collection method: clinical testing. Allele origin: germline.
Comment: This variant has not been reported in the literature in individuals with MAMLD1-related conditions. This variant is present in population databases (rs782239084, ExAC 0.01%). This sequence change replaces asparagine with lysine at codon 192 of the MAMLD1 protein (p.Asn192Lys). The asparagine residue is highly conserved and there is a moderate physicochemical difference between asparagine and lysine. Algorithms developed to predict the effect of missense changes on protein structure and function are either unavailable or do not agree on the potential impact of this missense change (SIFT: "Deleterious"; PolyPhen-2: "Benign"; Align-GVGD: "Class C25"). In summary, the available evidence is currently insufficient to determine the role of this variant in disease. Therefore, it has been classified as a Variant of Uncertain Significance.

NM_005491.5(MAMLD1):c.576T>A (p.Asn192Lys)

Gene: MAMLD1 (mastermind like domain containing 1; plus strand). Cytogenetic location: Xq28.
Variant type: single nucleotide variant.
Coding change: c.576T>A on transcript NM_005491.5 (MANE Select); coding-DNA position 576, T replaced by A.
Protein change: p.Asn192Lys; replaces asparagine 192 with lysine.
Molecular consequence: missense variant.
Genome position (GRCh38, 1-based): chrX:150,470,149, T>A. VCF-style: chrX-150470149-T-A. GRCh37 (hg19) VCF-style: chrX-149638421-T-A.
Other names: c.501T>A, p.Asn167Lys (NM_001177465.3, NM_001177466.3, NM_001400514.1); c.576T>A, p.Asn192Lys (NM_001400512.1, NM_001400513.1, NM_001400515.1); short protein forms N192K, N167K.
Identifiers: ClinVar variation 1443764 (VCV001443764.8), dbSNP rs782239084, ClinGen allele CA10538680.